The following is an entry in ClinVar:

ClinVar aggregate classification (germline): Pathogenic (1 of 4 stars; one submission).

Conditions:
Osteogenesis imperfecta type I (OI1). Also called: Lobstein disease; Osteogenesis imperfecta type 1; Lobstein's Disease; OI, TYPE I; OSTEOGENESIS IMPERFECTA TARDA; OSTEOGENESIS IMPERFECTA WITH BLUE SCLERAE. Identifiers: Orphanet 216796, Orphanet 666, MedGen C0023931, MONDO:0008146, OMIM 166200. Disease mechanism: loss of function.

Submission:

Labcorp Genetics (formerly Invitae), Labcorp
Classification: Pathogenic for Osteogenesis imperfecta type I. Last evaluated: 2021-12-19. Review status: criteria provided, single submitter. Criteria: Invitae Variant Classification Sherloc (09022015). Collection method: clinical testing. Allele origin: germline.
Comment: For these reasons, this variant has been classified as Pathogenic. This variant has not been reported in the literature in individuals affected with COL1A1-related conditions. This variant is not present in population databases (gnomAD no frequency). This sequence change creates a premature translational stop signal (p.Gly521Aspfs*20) in the COL1A1 gene. It is expected to result in an absent or disrupted protein product. Loss-of-function variants in COL1A1 are known to be pathogenic (PMID: 7942841, 9295084, 9443882).

Literature cited by the submitters: PubMed 7942841; PubMed 9295084; PubMed 9443882.

NM_000088.4(COL1A1):c.1557del (p.Gly521fs)

Gene: COL1A1 (collagen type I alpha 1 chain; minus strand). Cytogenetic location: 17q21.33.
Variant type: Deletion.
Coding change: c.1557del on transcript NM_000088.4 (MANE Select); coding-DNA position 1557, one base deleted (C; older notation c.1557delC).
Protein change: p.Gly521fs; shifts the reading frame from glycine 521.
Molecular consequence: frameshift variant.
Genome position (GRCh38, 1-based): chr17:50,194,406, G deleted on the plus strand (C on the coding strand, the reverse complement: COL1A1 is on the minus strand); the first of 4 consecutive G bases (chr17:50,194,406-50,194,409); deleting any one gives the same sequence. VCF-style (leftmost placement, unchanged base first): chr17-50194405-TG-T. GRCh37 (hg19) VCF-style: chr17-48271766-TG-T.
Other names: short protein forms G521fs.
Identifiers: ClinVar variation 2049538 (VCV002049538.4), dbSNP rs2509219167, ClinGen allele CA2580094424.